The following is an entry in ClinVar:

ClinVar aggregate classification (germline): Pathogenic (1 of 4 stars; one submission).

Submission:

CeGaT Center for Human Genetics Tuebingen
Classification: Pathogenic. Last evaluated: 2023-05-01. Review status: criteria provided, single submitter. Criteria: CeGaT Center For Human Genetics Tuebingen Variant Classification Criteria Version 2. Collection method: clinical testing. Allele origin: germline. Affected: yes. Observed: 1 variant allele.
Comment: ATR: PVS1, PM2

NM_001184.4(ATR):c.6558_6562del (p.Tyr2187fs)

Gene: ATR (ATR checkpoint kinase; minus strand). Cytogenetic location: 3q23.
Variant type: Deletion.
Coding change: c.6558_6562del on transcript NM_001184.4 (MANE Select); coding-DNA positions 6558 to 6562, 5 bases deleted (TTATC; older notation c.6558_6562delTTATC).
Protein change: p.Tyr2187fs; shifts the reading frame from tyrosine 2187.
Molecular consequence: frameshift variant.
Genome position (GRCh38, 1-based): chr3:142,468,059-142,468,063, GATAA deleted on the plus strand (TTATC on the coding strand, the reverse complement: ATR is on the minus strand); deleting any 5 consecutive bases within chr3:142,468,059-142,468,066 gives the same sequence; the c. name uses the placement nearest the transcript's 3' end. VCF-style (leftmost placement, unchanged base first): chr3-142468058-GGATAA-G. GRCh37 (hg19) VCF-style: chr3-142186900-GGATAA-G.
Other names: c.6366_6370del, p.Tyr2123fs (NM_001354579.2); short protein forms Y2123fs, Y2187fs.
Identifiers: ClinVar variation 2571188 (VCV002571188.27), dbSNP rs2473065347, ClinGen allele CA2580615986.